The following is an entry in ClinVar:

ClinVar aggregate classification (germline): Uncertain significance (1 of 4 stars; one submission).

Conditions:
Walker-Warburg congenital muscular dystrophy. Also called: Muscular dystrophy-dystroglycanopathy, type A; Walker-Warburg syndrome. Identifiers: Orphanet 899, MedGen C0265221, MONDO:0000171.

Submission:

Labcorp Genetics (formerly Invitae), Labcorp
Classification: Uncertain significance for Walker-Warburg congenital muscular dystrophy. Last evaluated: 2025-12-08. Review status: criteria provided, single submitter. Criteria: Invitae Variant Classification Sherloc (09022015). Collection method: clinical testing. Allele origin: germline.
Comment: This sequence change replaces asparagine, which is neutral and polar, with histidine, which is basic and polar, at codon 5 of the FKTN protein (p.Asn5His). This variant is not present in population databases (gnomAD no frequency). This variant has not been reported in the literature in individuals affected with FKTN-related conditions. ClinVar contains an entry for this variant (Variation ID: 1064269). Invitae Evidence Modeling of protein sequence and biophysical properties (such as structural, functional, and spatial information, amino acid conservation, physicochemical variation, residue mobility, and thermodynamic stability) has been performed for this missense variant. However, the output from this modeling did not meet the statistical confidence thresholds required to predict the impact of this variant on FKTN protein function. In summary, the available evidence is currently insufficient to determine the role of this variant in disease. Therefore, it has been classified as a Variant of Uncertain Significance.

NM_001079802.2(FKTN):c.13A>C (p.Asn5His)

Gene: FKTN (fukutin; plus strand). Cytogenetic location: 9q31.2.
Variant type: single nucleotide variant.
Coding change: c.13A>C on transcript NM_001079802.2 (MANE Select); coding-DNA position 13, A replaced by C.
Protein change: p.Asn5His; replaces asparagine 5 with histidine.
Molecular consequence: missense variant. On other transcripts: 5 prime UTR variant (5), non-coding transcript variant (2).
Genome position (GRCh38, 1-based): chr9:105,575,045, A>C. VCF-style: chr9-105575045-A-C. GRCh37 (hg19) VCF-style: chr9-108337326-A-C.
Other names: c.13A>C, p.Asn5His (NM_001198963.2, NM_001351496.2, NM_001351498.2 and 1 more transcripts); c.-155A>C (NM_001351497.2); c.-502A>C (NM_001351499.2, NM_001351500.2, NM_001351501.2 and 1 more transcripts); short protein forms N5H.
Identifiers: ClinVar variation 1064269 (VCV001064269.9), dbSNP rs765929865, ClinGen allele CA374330804.